The following is an entry in ClinVar:

ClinVar aggregate classification (germline): Benign/Likely benign. Review status: criteria provided, multiple submitters, no conflicts (2 of 4 stars). 7 submissions from 7 submitters: Benign (1); Likely benign (6). Last evaluated 2025-12-10.

Conditions:
Hereditary cancer-predisposing syndrome. Also called: Hereditary Cancer Syndrome; Neoplastic Syndromes, Hereditary; Tumor predisposition; Hereditary neoplastic syndrome. Identifiers: Orphanet 140162, MedGen C0027672, MeSH D009386, MONDO:0015356.
Fanconi anemia complementation group J. Also called: BRIP1-Related Fanconi Anemia. Identifiers: Orphanet 84, MedGen C1836860, MONDO:0012187, OMIM 609054.
Familial cancer of breast. Also called: Hereditary breast cancer; hereditary breast carcinoma; BREAST CANCER, FAMILIAL. Identifiers: Orphanet 227535, MedGen C0346153, MONDO:0016419, OMIM 114480. Disease mechanism: loss of function.

Allele frequency attached by ClinVar (database versions not stated): ExAC 0.00001; gnomAD exomes 0.00001 and 0.00004; ESP Exome Variant Server 0.00008.
gnomAD v4.1: 51 of 1,613,518 alleles (0.0032%); highest among the groups gnomAD compares: East Asian, 0.0067%; no homozygotes.

Submissions (7):

Labcorp Genetics (formerly Invitae), Labcorp
Classification: Likely benign for Familial cancer of breast; Fanconi anemia complementation group J. Last evaluated: 2025-12-10. Review status: criteria provided, single submitter. Criteria: Invitae Variant Classification Sherloc (09022015). Collection method: clinical testing. Allele origin: germline.

Myriad Genetics, Inc.
Classification: Benign for Familial cancer of breast. Last evaluated: 2024-08-22. Review status: criteria provided, single submitter. Criteria: Myriad Autosomal Dominant, Autosomal Recessive and X-Linked Classification Criteria (2023). Collection method: clinical testing. Allele origin: unknown.
Comment: This variant is considered benign. This variant is a silent/synonymous amino acid change and it is not expected to impact splicing.

Hereditary Cancer Laboratory, Hospital Universitario 12 de Octubre
Classification: Likely benign for Hereditary cancer-predisposing syndrome. Last evaluated: 2024-08-18. Review status: criteria provided, single submitter. Criteria: ACMG Guidelines, 2015. Collection method: clinical testing. Allele origin: germline.
Comment: PM2+BP4+BP6+BP7

Women's Health and Genetics/Laboratory Corporation of America, LabCorp
Classification: Likely benign. Last evaluated: 2020-04-17. Review status: criteria provided, single submitter. Criteria: LabCorp Variant Classification Summary - May 2015. Collection method: clinical testing. Allele origin: germline.

GeneDx
Classification: Likely benign. Last evaluated: 2017-12-07. Review status: criteria provided, single submitter. Criteria: GeneDx Variant Classification (06012015). Collection method: clinical testing. Allele origin: germline. Affected: yes.
Comment: This variant is considered likely benign or benign based on one or more of the following criteria: it is a conservative change, it occurs at a poorly conserved position in the protein, it is predicted to be benign by multiple in silico algorithms, and/or has population frequency not consistent with disease.

Color Diagnostics, LLC DBA Color Health
Classification: Likely benign for Hereditary cancer-predisposing syndrome. Last evaluated: 2016-04-18. Review status: criteria provided, single submitter. Criteria: ACMG Guidelines, 2015. Collection method: clinical testing. Allele origin: germline.

Ambry Genetics
Classification: Likely benign for Hereditary cancer-predisposing syndrome. Last evaluated: 2015-05-27. Review status: criteria provided, single submitter. Criteria: Ambry Variant Classification Scheme 2023. Collection method: clinical testing. Allele origin: germline.

NM_032043.3(BRIP1):c.867C>T (p.Val289=)

Gene: BRIP1 (BRCA1 interacting DNA helicase 1; minus strand). Cytogenetic location: 17q23.2.
Variant type: single nucleotide variant.
Coding change: c.867C>T on transcript NM_032043.3 (MANE Select); coding-DNA position 867, C replaced by T.
Protein change: p.Val289=; no amino-acid change (valine 289 retained).
Molecular consequence: synonymous variant.
Genome position (GRCh38, 1-based): chr17:61,808,518, G>A on the plus strand (C>T on the coding strand, the complement: BRIP1 is on the minus strand). VCF-style: chr17-61808518-G-A. GRCh37 (hg19) VCF-style: chr17-59885879-G-A.
Identifiers: ClinVar variation 232069 (VCV000232069.22), dbSNP rs147739458, ClinGen allele CA8690841.